The following is an entry in ClinVar:

NM_018669.6(WDR4):c.89+9G>A

Gene: WDR4 (WDR4 tRNA N7-guanosine methyltransferase non-catalytic subunit; minus strand). Cytogenetic location: 21q22.3.
Variant type: single nucleotide variant.
Coding change: c.89+9G>A on transcript NM_018669.6 (MANE Select); 9 bases into the intron after coding-DNA position 89, G replaced by A.
Molecular consequence: intron variant. On other transcripts: 5 prime UTR variant (1).
Genome position (GRCh38, 1-based): chr21:42,879,398, C>T on the plus strand (G>A on the coding strand, the complement: WDR4 is on the minus strand). VCF-style: chr21-42879398-C-T. GRCh37 (hg19) VCF-style: chr21-44299508-C-T.
Other names: c.-704G>A (NM_001260477.2); c.89+9G>A (NM_033661.5, NM_001260474.2, NM_033661.4); c.-298+115G>A (NM_001260476.2); c.-298+9G>A (NM_001260475.2).
Identifiers: ClinVar variation 2909391 (VCV002909391.4), dbSNP rs377304126, ClinGen allele CA321626819.

ClinVar aggregate classification (germline): Likely benign. Review status: criteria provided, single submitter (1 of 4 stars). 2 submissions from 2 submitters: Likely benign (1). 1 of the submissions does not count toward it. Last evaluated 2025-06-29.

Conditions:
WDR4-related disorder. Also called: WDR4-related condition; WDR4-Related Disorders.

Allele frequency attached by ClinVar (database versions not stated): TOPMed 0.00002; gnomAD 0.00002; gnomAD exomes 0.00002; ESP Exome Variant Server 0.00008.
gnomAD v4.1: 41 of 1,613,096 alleles (0.0025%); highest among the groups gnomAD compares: African/African-American, 0.0067%; no homozygotes.

Submissions (2):

Labcorp Genetics (formerly Invitae), Labcorp
Classification: Likely benign. Last evaluated: 2025-06-29. Review status: criteria provided, single submitter. Criteria: Invitae Variant Classification Sherloc (09022015). Collection method: clinical testing. Allele origin: germline.

PreventionGenetics, part of Exact Sciences
Classification: Likely benign for WDR4-related condition. Last evaluated: 2024-05-07. Review status: no assertion criteria provided. Collection method: clinical testing. Allele origin: germline. Not counted in ClinVar's aggregate classification.
Comment: This variant is classified as likely benign based on ACMG/AMP sequence variant interpretation guidelines (Richards et al. 2015 PMID: 25741868, with internal and published modifications).